The following is an entry in ClinVar:

NM_001105206.3(LAMA4):c.3059A>G (p.Asn1020Ser)

Gene: LAMA4 (laminin subunit alpha 4; minus strand). Cytogenetic location: 6q21.
Variant type: single nucleotide variant.
Coding change: c.3059A>G on transcript NM_001105206.3 (MANE Select); coding-DNA position 3059, A replaced by G.
Protein change: p.Asn1020Ser; replaces asparagine 1020 with serine.
Molecular consequence: missense variant.
Genome position (GRCh38, 1-based): chr6:112,139,803, T>C on the plus strand (A>G on the coding strand, the complement: LAMA4 is on the minus strand). VCF-style: chr6-112139803-T-C. GRCh37 (hg19) VCF-style: chr6-112461005-T-C.
Other names: c.3038A>G, p.Asn1013Ser (NM_001105207.3, NM_002290.5); short protein forms N1013S, N1020S.
Identifiers: ClinVar variation 1799101 (VCV001799101.3), dbSNP rs2547021256, ClinGen allele CA365379291.

ClinVar aggregate classification (germline): Uncertain significance (1 of 4 stars; one submission).

Conditions:
Cardiovascular phenotype. Identifiers: MedGen CN230736.

Allele frequency attached by ClinVar (database versions not stated): gnomAD exomes below 0.00001.
gnomAD v4.1: 4 of 1,614,064 alleles (0.00025%); highest among the groups gnomAD compares: South Asian, 0.0011%; no homozygotes.

Submission:

Ambry Genetics
Classification: Uncertain significance for Cardiovascular phenotype. Last evaluated: 2025-06-17. Review status: criteria provided, single submitter. Criteria: Ambry Variant Classification Scheme 2023. Collection method: clinical testing. Allele origin: germline.
Comment: The p.N1013S variant (also known as c.3038A>G), located in coding exon 22 of the LAMA4 gene, results from an A to G substitution at nucleotide position 3038. The asparagine at codon 1013 is replaced by serine, an amino acid with highly similar properties. This amino acid position is highly conserved in available vertebrate species. In addition, this alteration is predicted to be tolerated by in silico analysis. Since supporting evidence is limited at this time, the clinical significance of this alteration remains unclear.